The following is an entry in ClinVar:

NM_001130987.2(DYSF):c.5831G>A (p.Arg1944Gln)

Gene: DYSF (dysferlin; plus strand). Cytogenetic location: 2p13.2.
Variant type: single nucleotide variant.
Coding change: c.5831G>A on transcript NM_001130987.2 (MANE Select); coding-DNA position 5831, G replaced by A.
Protein change: p.Arg1944Gln; replaces arginine 1944 with glutamine.
Molecular consequence: missense variant.
Genome position (GRCh38, 1-based): chr2:71,674,243, G>A. VCF-style: chr2-71674243-G-A. GRCh37 (hg19) VCF-style: chr2-71901373-G-A.
Other names: c.5717G>A, p.Arg1906Gln (NM_001130455.2); c.5672G>A, p.Arg1891Gln (NM_001130976.2); c.5735G>A, p.Arg1912Gln (NM_001130977.2); c.5777G>A, p.Arg1926Gln (NM_001130978.2); c.5807G>A, p.Arg1936Gln (NM_001130979.2); c.5765G>A, p.Arg1922Gln (NM_001130980.2); c.5828G>A, p.Arg1943Gln (NM_001130981.2); c.5810G>A, p.Arg1937Gln (NM_001130982.2); and 5 more; short protein forms R1905Q, R1944Q, R1906Q, R1923Q, R1926Q, R1927Q, R1892Q, R1912Q.
Identifiers: ClinVar variation 285259 (VCV000285259.10), dbSNP rs886043057, ClinGen allele CA10605054.

ClinVar aggregate classification (germline): Uncertain significance. Review status: criteria provided, multiple submitters, no conflicts (2 of 4 stars). 2 submissions from 2 submitters: Uncertain significance (2). Last evaluated 2021-09-01.

Conditions:
Neuromuscular disease caused by qualitative or quantitative defects of dysferlin. Also called: Dysferlinopathy; Qualitative or quantitative defects of dysferlin. Identifiers: Orphanet 207073, MedGen C2931687, MONDO:0016145.

Allele frequency attached by ClinVar (database versions not stated): gnomAD 0.00001; gnomAD exomes 0.00001; TOPMed 0.00001.
gnomAD v4.1: 14 of 1,614,112 alleles (0.00087%); highest among the groups gnomAD compares: Middle Eastern, 0.016%; no homozygotes.

Submissions (2):

Labcorp Genetics (formerly Invitae), Labcorp
Classification: Uncertain significance for Neuromuscular disease caused by qualitative or quantitative defects of dysferlin. Last evaluated: 2021-09-01. Review status: criteria provided, single submitter. Criteria: Invitae Variant Classification Sherloc (09022015). Collection method: clinical testing. Allele origin: germline.
Comment: This sequence change replaces arginine with glutamine at codon 1905 of the DYSF protein (p.Arg1905Gln). The arginine residue is moderately conserved and there is a small physicochemical difference between arginine and glutamine. This variant is not present in population databases (ExAC no frequency). This variant has not been reported in the literature in individuals affected with DYSF-related conditions. ClinVar contains an entry for this variant (Variation ID: 285259). Algorithms developed to predict the effect of missense changes on protein structure and function output the following: SIFT: "Tolerated"; PolyPhen-2: "Benign"; Align-GVGD: "Class C0". The glutamine amino acid residue is found in multiple mammalian species, which suggests that this missense change does not adversely affect protein function. In summary, the available evidence is currently insufficient to determine the role of this variant in disease. Therefore, it has been classified as a Variant of Uncertain Significance.

Eurofins Ntd Llc (ga)
Classification: Uncertain significance. Last evaluated: 2015-12-07. Review status: criteria provided, single submitter. Criteria: EGL Classification Definitions 2015. Collection method: clinical testing. Allele origin: germline. Observed: 1 variant allele, 1 heterozygote.